The following is an entry in ClinVar:

NM_001365088.1(SLC12A6):c.68A>G (p.Asp23Gly)

Gene: SLC12A6 (solute carrier family 12 member 6; minus strand). Cytogenetic location: 15q14.
Variant type: single nucleotide variant.
Coding change: c.68A>G on transcript NM_001365088.1 (MANE Select); coding-DNA position 68, A replaced by G.
Protein change: p.Asp23Gly; replaces aspartic acid 23 with glycine.
Molecular consequence: missense variant. On other transcripts: intron variant (2).
Genome position (GRCh38, 1-based): chr15:34,336,613, T>C on the plus strand (A>G on the coding strand, the complement: SLC12A6 is on the minus strand). VCF-style: chr15-34336613-T-C. GRCh37 (hg19) VCF-style: chr15-34628814-T-C.
Other names: c.41A>G, p.Asp14Gly (NM_001042496.2); c.68A>G, p.Asp23Gly (NM_001042497.2, NM_133647.2); c.-98-12A>G (NM_001042495.2, NM_001042494.2); short protein forms D14G, D23G.
Identifiers: ClinVar variation 2975225 (VCV002975225.3), dbSNP rs2510086501, ClinGen allele CA391621766.

ClinVar aggregate classification (germline): Uncertain significance (1 of 4 stars; one submission).

Allele frequency attached by ClinVar (database versions not stated): gnomAD exomes below 0.00001.
gnomAD v4.1: 1 of 1,613,520 alleles (0.000062%); highest among the groups gnomAD compares: Non-Finnish European, 0.000085%; no homozygotes.

Submission:

Labcorp Genetics (formerly Invitae), Labcorp
Classification: Uncertain significance. Last evaluated: 2023-03-20. Review status: criteria provided, single submitter. Criteria: Invitae Variant Classification Sherloc (09022015). Collection method: clinical testing. Allele origin: germline.
Comment: This sequence change replaces aspartic acid, which is acidic and polar, with glycine, which is neutral and non-polar, at codon 23 of the SLC12A6 protein (p.Asp23Gly). This variant is not present in population databases (gnomAD no frequency). In summary, the available evidence is currently insufficient to determine the role of this variant in disease. Therefore, it has been classified as a Variant of Uncertain Significance. Advanced modeling of protein sequence and biophysical properties (such as structural, functional, and spatial information, amino acid conservation, physicochemical variation, residue mobility, and thermodynamic stability) performed at Invitae indicates that this missense variant is not expected to disrupt SLC12A6 protein function. This variant has not been reported in the literature in individuals affected with SLC12A6-related conditions.